The following is an entry in ClinVar:

ClinVar aggregate classification (germline): Likely benign (0 of 4 stars; one submission).

Conditions:
SLC7A6-related disorder. Also called: SLC7A6-related condition.

Allele frequency attached by ClinVar (database versions not stated): TOPMed 0.00002; gnomAD 0.00007; 1000 Genomes Project 30x 0.00016; 1000 Genomes Project 0.00020; gnomAD exomes 0.00022; ExAC 0.00052.
gnomAD v4.1: 327 of 1,614,188 alleles (0.02%); highest among the groups gnomAD compares: South Asian, 0.34%; 2 homozygotes.

Submission:

PreventionGenetics, part of Exact Sciences
Classification: Likely benign for SLC7A6-related condition. Last evaluated: 2019-04-09. Review status: no assertion criteria provided. Collection method: clinical testing. Allele origin: germline.
Comment: This variant is classified as likely benign based on ACMG/AMP sequence variant interpretation guidelines (Richards et al. 2015 PMID: 25741868, with internal and published modifications).

NM_003983.6(SLC7A6):c.45T>C (p.Leu15=)

Gene: SLC7A6 (solute carrier family 7 member 6; plus strand). Cytogenetic location: 16q22.1.
Variant type: single nucleotide variant.
Coding change: c.45T>C on transcript NM_003983.6 (MANE Select); coding-DNA position 45, T replaced by C.
Protein change: p.Leu15=; no amino-acid change (leucine 15 retained).
Molecular consequence: synonymous variant.
Genome position (GRCh38, 1-based): chr16:68,274,771, T>C. VCF-style: chr16-68274771-T-C. GRCh37 (hg19) VCF-style: chr16-68308674-T-C.
Other names: c.45T>C, p.Leu15= (NM_001076785.3).
Identifiers: ClinVar variation 3057895 (VCV003057895.2), dbSNP rs553247630, ClinGen allele CA8126156.